The following is an entry in ClinVar:

NM_018139.3(DNAAF2):c.851T>A (p.Val284Glu)

Gene: DNAAF2 (dynein axonemal assembly factor 2; minus strand). Cytogenetic location: 14q21.3.
Variant type: single nucleotide variant.
Coding change: c.851T>A on transcript NM_018139.3 (MANE Select); coding-DNA position 851, T replaced by A.
Protein change: p.Val284Glu; replaces valine 284 with glutamic acid.
Molecular consequence: missense variant.
Genome position (GRCh38, 1-based): chr14:49,634,299, A>T on the plus strand (T>A on the coding strand, the complement: DNAAF2 is on the minus strand). VCF-style: chr14-49634299-A-T. GRCh37 (hg19) VCF-style: chr14-50101017-A-T.
Other names: c.851T>A, p.Val284Glu (NM_001083908.2); short protein forms V284E.
Identifiers: ClinVar variation 3840680 (VCV003840680.1).

ClinVar aggregate classification (germline): Uncertain significance (1 of 4 stars; one submission).

Conditions:
Primary ciliary dyskinesia. Also called: Ciliary dyskinesia. Identifiers: Orphanet 244, MedGen C0008780, MONDO:0016575, HP:0012265.

Submission:

Ambry Genetics
Classification: Uncertain significance for Primary ciliary dyskinesia. Last evaluated: 2024-12-31. Review status: criteria provided, single submitter. Criteria: Ambry Variant Classification Scheme 2023. Collection method: clinical testing. Allele origin: germline.
Comment: The p.V284E variant (also known as c.851T>A), located in coding exon 1 of the DNAAF2 gene, results from a T to A substitution at nucleotide position 851. The valine at codon 284 is replaced by glutamic acid, an amino acid with dissimilar properties. This amino acid position is conserved. In addition, this alteration is predicted to be tolerated by in silico analysis. Based on the available evidence, the clinical significance of this variant remains unclear.